The following is an entry in ClinVar:

NM_004493.3(HSD17B10):c.233C>G (p.Ala78Gly)

Gene: HSD17B10 (hydroxysteroid 17-beta dehydrogenase 10; minus strand). Cytogenetic location: Xp11.22.
Variant type: single nucleotide variant.
Coding change: c.233C>G on transcript NM_004493.3 (MANE Select); coding-DNA position 233, C replaced by G.
Protein change: p.Ala78Gly; replaces alanine 78 with glycine.
Molecular consequence: missense variant.
Genome position (GRCh38, 1-based): chrX:53,432,371, G>C on the plus strand (C>G on the coding strand, the complement: HSD17B10 is on the minus strand). VCF-style: chrX-53432371-G-C. GRCh37 (hg19) VCF-style: chrX-53459319-G-C.
Other names: c.233C>G, p.Ala78Gly (NM_001037811.2); short protein forms A78G.
Identifiers: ClinVar variation 2201768 (VCV002201768.2), dbSNP rs781966115, ClinGen allele CA10421026.

ClinVar aggregate classification (germline): Uncertain significance (1 of 4 stars; one submission).

Allele frequency attached by ClinVar (database versions not stated): TOPMed below 0.00001; gnomAD 0.00003; 1000 Genomes Project 30x 0.00021; 1000 Genomes Project 0.00026.
gnomAD v4.1: 9 of 1,208,093 alleles (0.00074%); highest among the groups gnomAD compares: Admixed American, 0.02%; no homozygotes.

Submission:

Labcorp Genetics (formerly Invitae), Labcorp
Classification: Uncertain significance. Last evaluated: 2025-07-07. Review status: criteria provided, single submitter. Criteria: Invitae Variant Classification Sherloc (09022015). Collection method: clinical testing. Allele origin: germline.
Comment: This sequence change replaces alanine, which is neutral and non-polar, with glycine, which is neutral and non-polar, at codon 78 of the HSD17B10 protein (p.Ala78Gly). This variant is present in population databases (rs781966115, gnomAD 0.008%). This variant has not been reported in the literature in individuals affected with HSD17B10-related conditions. ClinVar contains an entry for this variant (Variation ID: 2201768). Invitae Evidence Modeling of protein sequence and biophysical properties (such as structural, functional, and spatial information, amino acid conservation, physicochemical variation, residue mobility, and thermodynamic stability) indicates that this missense variant is not expected to disrupt HSD17B10 protein function with a negative predictive value of 80%. In summary, the available evidence is currently insufficient to determine the role of this variant in disease. Therefore, it has been classified as a Variant of Uncertain Significance.